The following is an entry in ClinVar:

ClinVar aggregate classification (germline): Uncertain significance (1 of 4 stars; one submission).

Conditions:
Supravalvar aortic stenosis (SVAS). Also called: Supravalvar aortic stenosis, Eisenberg type. Identifiers: Orphanet 3193, MedGen C0003499, MONDO:0008504, OMIM 185500, HP:0004381.

Submission:

Labcorp Genetics (formerly Invitae), Labcorp
Classification: Uncertain significance for Supravalvar aortic stenosis. Last evaluated: 2025-11-05. Review status: criteria provided, single submitter. Criteria: Invitae Variant Classification Sherloc (09022015). Collection method: clinical testing. Allele origin: germline.
Comment: This variant results in the deletion of part of exon 33 (c.2278_2317+762delinsC) of the ELN gene. While this variant is not anticipated to result in nonsense mediated decay, it likely alters RNA splicing and results in a disrupted protein product. This variant is not present in population databases (gnomAD no frequency). This variant has not been reported in the literature in individuals affected with ELN-related conditions. Variants that disrupt the consensus splice site are a relatively common cause of aberrant splicing (PMID: 17576681, 9536098). In summary, the available evidence is currently insufficient to determine the role of this variant in disease. Therefore, it has been classified as a Variant of Uncertain Significance.

Literature cited by the submitters: PubMed 17576681; PubMed 9536098.

NM_000501.4(ELN):c.2092_2131+762delinsC

Gene: ELN (elastin; plus strand). Cytogenetic location: 7q11.23.
Variant type: Indel.
Coding change: c.2092_2131+762delinsC on transcript NM_000501.4 (MANE Select); coding-DNA position 2092 through 762 bases into the intron after coding-DNA position 2131, the reference bases replaced by C.
Molecular consequence: splice donor variant.
Genome position (GRCh38, 1-based): chr7:74,066,737-74,067,538, 802 bases replaced. GRCh37 (hg19): chr7:73,481,067-73,481,868.
Other names: c.2053_2092+762delinsC (NM_001081754.3); c.1996_2035+762delinsC (NM_001081753.3); c.2278_2317+762delinsC (NM_001278939.2); c.2110_2149+762delinsC (NM_001278915.2); c.2038_2077+762delinsC (NM_001278912.2); c.2035_2074+762delinsC (NM_001081755.3); c.1894_1933+762delinsC (NM_001278916.2); c.1849_1888+762delinsC (NM_001278913.2); and 4 more.
Identifiers: ClinVar variation 4730596 (VCV004730596.1).